The following is an entry in ClinVar:

NM_002294.3(LAMP2):c.928+4A>G

Gene: LAMP2 (lysosome associated membrane protein 2; minus strand). Cytogenetic location: Xq24.
Variant type: single nucleotide variant.
Coding change: c.928+4A>G on transcript NM_002294.3 (MANE Select); 4 bases into the intron after coding-DNA position 928, A replaced by G.
Molecular consequence: intron variant.
Genome position (GRCh38, 1-based): chrX:120,442,595, T>C on the plus strand (A>G on the coding strand, the complement: LAMP2 is on the minus strand). VCF-style: chrX-120442595-T-C. GRCh37 (hg19) VCF-style: chrX-119576450-T-C.
Other names: c.928+4A>G (NM_001122606.1, NM_013995.2).
Identifiers: ClinVar variation 648429 (VCV000648429.6), dbSNP rs1602532732, ClinGen allele CA915952473.

ClinVar aggregate classification (germline): Uncertain significance (1 of 4 stars; one submission).

Conditions:
Danon disease. Also called: Glycogen Storage Disease Type IIb; PSEUDOGLYCOGENOSIS II; GSD IIb; LYSOSOMAL GLYCOGEN STORAGE DISEASE WITHOUT ACID MALTASE DEFICIENCY; ANTOPOL DISEASE. Identifiers: Orphanet 34587, MedGen C0878677, MONDO:0010281, OMIM 300257.

Submission:

Labcorp Genetics (formerly Invitae), Labcorp
Classification: Uncertain significance for Danon disease. Last evaluated: 2024-02-05. Review status: criteria provided, single submitter. Criteria: Invitae Variant Classification Sherloc (09022015). Collection method: clinical testing. Allele origin: germline.
Comment: This sequence change falls in intron 7 of the LAMP2 gene. It does not directly change the encoded amino acid sequence of the LAMP2 protein. It affects a nucleotide within the consensus splice site. This variant is not present in population databases (gnomAD no frequency). This variant has not been reported in the literature in individuals affected with LAMP2-related conditions. ClinVar contains an entry for this variant (Variation ID: 648429). Variants that disrupt the consensus splice site are a relatively common cause of aberrant splicing (PMID: 17576681, 9536098). Algorithms developed to predict the effect of sequence changes on RNA splicing suggest that this variant may disrupt the consensus splice site. In summary, the available evidence is currently insufficient to determine the role of this variant in disease. Therefore, it has been classified as a Variant of Uncertain Significance.

Literature cited by the submitters: PubMed 17576681; PubMed 9536098.